The following is an entry in ClinVar:

NM_003242.6(TGFBR2):c.533T>A (p.Val178Asp)

Gene: TGFBR2 (transforming growth factor beta receptor 2; plus strand). Cytogenetic location: 3p24.1.
Variant type: single nucleotide variant.
Coding change: c.533T>A on transcript NM_003242.6 (MANE Select); coding-DNA position 533, T replaced by A.
Protein change: p.Val178Asp; replaces valine 178 with aspartic acid.
Molecular consequence: missense variant.
Genome position (GRCh38, 1-based): chr3:30,671,716, T>A. VCF-style: chr3-30671716-T-A. GRCh37 (hg19) VCF-style: chr3-30713208-T-A.
Other names: c.608T>A, p.Val203Asp (NM_001024847.3); c.716T>A, p.Val239Asp (NM_001407126.1); c.641T>A, p.Val214Asp (NM_001407127.1); c.560T>A, p.Val187Asp (NM_001407128.1); c.536T>A, p.Val179Asp (NM_001407129.1); c.533T>A, p.Val178Asp (NM_001407130.1); c.428T>A, p.Val143Asp (NM_001407132.1, NM_001407133.1, NM_001407134.1 and 2 more transcripts); c.248T>A, p.Val83Asp (NM_001407137.1); and 1 more; short protein forms V178D, V203D, V143D, V179D, V214D, V83D, V187D, V239D.
Identifiers: ClinVar variation 452530 (VCV000452530.12), dbSNP rs1553630079, ClinGen allele CA351807311.

ClinVar aggregate classification (germline): Uncertain significance. Review status: criteria provided, multiple submitters, no conflicts (2 of 4 stars). 2 submissions from 2 submitters: Uncertain significance (2). Last evaluated 2023-06-21.

Conditions:
Familial thoracic aortic aneurysm and aortic dissection (TAAD). Also called: Thoracic aortic aneurysms and dissections. Identifiers: Orphanet 91387, MedGen C4707243, MONDO:0019625.

Allele frequency attached by ClinVar (database versions not stated): gnomAD exomes below 0.00001.

Submissions (2):

GeneDx
Classification: Uncertain significance. Last evaluated: 2023-06-21. Review status: criteria provided, single submitter. Criteria: GeneDx Variant Classification Process June 2021. Collection method: clinical testing. Allele origin: germline. Affected: yes.
Comment: Has not been previously published as pathogenic or benign to our knowledge; Not observed at significant frequency in large population cohorts (gnomAD); In silico analysis supports that this missense variant has a deleterious effect on protein structure/function

Labcorp Genetics (formerly Invitae), Labcorp
Classification: Uncertain significance for Familial thoracic aortic aneurysm and aortic dissection. Last evaluated: 2023-06-05. Review status: criteria provided, single submitter. Criteria: Invitae Variant Classification Sherloc (09022015). Collection method: clinical testing. Allele origin: germline.
Comment: In summary, the available evidence is currently insufficient to determine the role of this variant in disease. Therefore, it has been classified as a Variant of Uncertain Significance. Advanced modeling of protein sequence and biophysical properties (such as structural, functional, and spatial information, amino acid conservation, physicochemical variation, residue mobility, and thermodynamic stability) has been performed at Invitae for this missense variant, however the output from this modeling did not meet the statistical confidence thresholds required to predict the impact of this variant on TGFBR2 protein function. ClinVar contains an entry for this variant (Variation ID: 452530). This variant has not been reported in the literature in individuals affected with TGFBR2-related conditions. This variant is not present in population databases (gnomAD no frequency). This sequence change replaces valine, which is neutral and non-polar, with aspartic acid, which is acidic and polar, at codon 178 of the TGFBR2 protein (p.Val178Asp).